The following is an entry in ClinVar:

ClinVar aggregate classification (germline): Uncertain significance (1 of 4 stars; one submission).

Conditions:
Hereditary nonpolyposis colorectal neoplasms. Identifiers: MedGen C0009405, MeSH D003123.

Submission:

Labcorp Genetics (formerly Invitae), Labcorp
Classification: Uncertain significance for Hereditary nonpolyposis colorectal neoplasms. Last evaluated: 2022-06-30. Review status: criteria provided, single submitter. Criteria: Invitae Variant Classification Sherloc (09022015). Collection method: clinical testing. Allele origin: germline.
Comment: This variant is not present in population databases (gnomAD no frequency). This sequence change replaces alanine, which is neutral and non-polar, with glycine, which is neutral and non-polar, at codon 1320 of the MSH6 protein (p.Ala1320Gly). In summary, the available evidence is currently insufficient to determine the role of this variant in disease. Therefore, it has been classified as a Variant of Uncertain Significance. Algorithms developed to predict the effect of missense changes on protein structure and function are either unavailable or do not agree on the potential impact of this missense change (SIFT: "Deleterious"; PolyPhen-2: "Probably Damaging"; Align-GVGD: "Class C0"). This variant has not been reported in the literature in individuals affected with MSH6-related conditions.

NM_000179.3(MSH6):c.3959C>G (p.Ala1320Gly)

Gene: MSH6 (mutS homolog 6; plus strand). Cytogenetic location: 2p16.3.
Variant type: single nucleotide variant.
Coding change: c.3959C>G on transcript NM_000179.3 (MANE Select); coding-DNA position 3959, C replaced by G.
Protein change: p.Ala1320Gly; replaces alanine 1320 with glycine.
Molecular consequence: missense variant.
Genome position (GRCh38, 1-based): chr2:47,806,609, C>G. VCF-style: chr2-47806609-C-G. GRCh37 (hg19) VCF-style: chr2-48033748-C-G.
Other names: c.3662C>G, p.Ala1221Gly (NM_001406818.1, NM_001406819.1, NM_001406820.1 and 10 more transcripts); c.3053C>G, p.Ala1018Gly (NM_001406823.1, NM_001281493.2, NM_001281494.2 and 6 more transcripts); c.3791C>G, p.Ala1264Gly (NM_001406826.1); c.3569C>G, p.Ala1190Gly (NM_001281492.2); c.4055C>G, p.Ala1352Gly (NM_001406795.1); c.3959C>G, p.Ala1320Gly (NM_001406796.1, NM_001406808.1, NM_001406809.1); c.3785C>G, p.Ala1262Gly (NM_001406798.1); c.3434C>G, p.Ala1145Gly (NM_001406799.1, NM_001406806.1, NM_001406807.1); and 8 more; short protein forms A1018G, A1145G, A1320G, A1322G, A247G, A269G, A635G, A1190G.
Identifiers: ClinVar variation 2095083 (VCV002095083.4), dbSNP rs1670139654, ClinGen allele CA346761541.
Genomic context (GRCh38, chr2:47,806,609, plus strand): 5'-TTAATGCAGCAAGGCTTGCTAATCTCCCAGAGGAAGTTATTCAAAAGGGACATAGAAAAG[C>G]AAGAGAATTTGAGAAGATGAATCAGTCACTACGATTATTTCGGTAACTAACTAACTATAA-3'
Protein context (NP_000170.1, residues 1310-1330): EEVIQKGHRK[Ala1320Gly]REFEKMNQSL